The following is an entry in ClinVar:

NM_018418.5(SPATA7):c.539C>T (p.Pro180Leu)

Gene: SPATA7 (spermatogenesis associated 7; plus strand). Cytogenetic location: 14q31.3.
Variant type: single nucleotide variant.
Coding change: c.539C>T on transcript NM_018418.5 (MANE Select); coding-DNA position 539, C replaced by T.
Protein change: p.Pro180Leu; replaces proline 180 with leucine.
Molecular consequence: missense variant.
Genome position (GRCh38, 1-based): chr14:88,426,398, C>T. VCF-style: chr14-88426398-C-T. GRCh37 (hg19) VCF-style: chr14-88892742-C-T.
Other names: c.443C>T, p.Pro148Leu (NM_001040428.4); short protein forms P148L, P180L.
Identifiers: ClinVar variation 1010572 (VCV001010572.4), dbSNP rs777633193, ClinGen allele CA7298547.
Genomic context (GRCh38, chr14:88,426,398, plus strand): 5'-GTCTACATAAATCCAGTAAAGTCATCACAAATGGTCCTGAGAAGAACTCCAGTTCCTCCC[C>T]GTCCAGTGTGGATTATGCAGCCTCCGGGCCCCGGAAACTGAGCTCTGGAGCCCTGTATGG-3'
Protein context (NP_060888.2, residues 170-190): NGPEKNSSSS[Pro180Leu]SSVDYAASGP

ClinVar aggregate classification (germline): Uncertain significance (1 of 4 stars; one submission).

Conditions:
Leber congenital amaurosis 3 (LCA3). Also called: SPATA7-Related Retinitis Pigmentosa. Identifiers: MedGen C1858677, MONDO:0011415, OMIM 604232.

Allele frequency attached by ClinVar (database versions not stated): ExAC 0.00002; gnomAD exomes 0.00002 and 0.00003; gnomAD 0.00003 and 0.00004; TOPMed 0.00005.
gnomAD v4.1: 37 of 1,614,058 alleles (0.0023%); highest among the groups gnomAD compares: Non-Finnish European, 0.0022%; no homozygotes.

Submission:

Labcorp Genetics (formerly Invitae), Labcorp
Classification: Uncertain significance for Leber congenital amaurosis 3. Last evaluated: 2023-07-07. Review status: criteria provided, single submitter. Criteria: Invitae Variant Classification Sherloc (09022015). Collection method: clinical testing. Allele origin: germline.
Comment: In summary, the available evidence is currently insufficient to determine the role of this variant in disease. Therefore, it has been classified as a Variant of Uncertain Significance. Advanced modeling of protein sequence and biophysical properties (such as structural, functional, and spatial information, amino acid conservation, physicochemical variation, residue mobility, and thermodynamic stability) performed at Invitae indicates that this missense variant is not expected to disrupt SPATA7 protein function. ClinVar contains an entry for this variant (Variation ID: 1010572). This variant has not been reported in the literature in individuals affected with SPATA7-related conditions. This variant is present in population databases (rs777633193, gnomAD 0.02%). This sequence change replaces proline, which is neutral and non-polar, with leucine, which is neutral and non-polar, at codon 180 of the SPATA7 protein (p.Pro180Leu).